The following is an entry in ClinVar:

NM_017654.4(SAMD9):c.1127C>T (p.Ala376Val)

Gene: SAMD9 (sterile alpha motif domain containing 9; minus strand). Cytogenetic location: 7q21.2.
Variant type: single nucleotide variant.
Coding change: c.1127C>T on transcript NM_017654.4 (MANE Select); coding-DNA position 1127, C replaced by T.
Protein change: p.Ala376Val; replaces alanine 376 with valine.
Molecular consequence: missense variant.
Genome position (GRCh38, 1-based): chr7:93,104,971, G>A on the plus strand (C>T on the coding strand, the complement: SAMD9 is on the minus strand). VCF-style: chr7-93104971-G-A. GRCh37 (hg19) VCF-style: chr7-92734284-G-A.
Other names: c.1127C>T, p.Ala376Val (NM_001193307.2); c.1127C>T (NM_017654.3); short protein forms A376V.
Identifiers: ClinVar variation 1719599 (VCV001719599.6), dbSNP rs1206127399, ClinGen allele CA368201980.

ClinVar aggregate classification (germline): Uncertain significance. Review status: criteria provided, multiple submitters, no conflicts (2 of 4 stars). 2 submissions from 2 submitters: Uncertain significance (2). Last evaluated 2025-03-01.

Conditions:
Inborn genetic diseases. Identifiers: MedGen C0950123, MeSH D030342.

Submissions (2):

Ambry Genetics
Classification: Uncertain significance for Inborn genetic diseases. Last evaluated: 2025-03-01. Review status: criteria provided, single submitter. Criteria: Ambry Variant Classification Scheme 2023. Collection method: clinical testing. Allele origin: germline.
Comment: The p.A376V variant (also known as c.1127C>T), located in coding exon 1 of the SAMD9 gene, results from a C to T substitution at nucleotide position 1127. The alanine at codon 376 is replaced by valine, an amino acid with similar properties. This amino acid position is conserved. In addition, this alteration is predicted to be tolerated by in silico analysis. Based on the available evidence, the clinical significance of this variant remains unclear.

Labcorp Genetics (formerly Invitae), Labcorp
Classification: Uncertain significance. Last evaluated: 2022-09-16. Review status: criteria provided, single submitter. Criteria: Invitae Variant Classification Sherloc (09022015). Collection method: clinical testing. Allele origin: germline.
Comment: This sequence change replaces alanine, which is neutral and non-polar, with valine, which is neutral and non-polar, at codon 376 of the SAMD9 protein (p.Ala376Val). This variant is not present in population databases (gnomAD no frequency). This variant has not been reported in the literature in individuals affected with SAMD9-related conditions. Advanced modeling of protein sequence and biophysical properties (such as structural, functional, and spatial information, amino acid conservation, physicochemical variation, residue mobility, and thermodynamic stability) performed at Invitae indicates that this missense variant is not expected to disrupt SAMD9 protein function. In summary, the available evidence is currently insufficient to determine the role of this variant in disease. Therefore, it has been classified as a Variant of Uncertain Significance.